The following is an entry in ClinVar:

NM_014806.5(RUSC2):c.1301G>A (p.Gly434Asp)

Gene: RUSC2 (RUN and SH3 domain containing 2; plus strand). Cytogenetic location: 9p13.3.
Variant type: single nucleotide variant.
Coding change: c.1301G>A on transcript NM_014806.5 (MANE Select); coding-DNA position 1301, G replaced by A.
Protein change: p.Gly434Asp; replaces glycine 434 with aspartic acid.
Molecular consequence: missense variant. On other transcripts: non-coding transcript variant (1), intron variant (1).
Genome position (GRCh38, 1-based): chr9:35,547,822, G>A. VCF-style: chr9-35547822-G-A. GRCh37 (hg19) VCF-style: chr9-35547819-G-A.
Other names: c.1301G>A, p.Gly434Asp (NM_001135999.2); c.-620-7238G>A (NM_001330740.2); short protein forms G434D.
Identifiers: ClinVar variation 1355727 (VCV001355727.6), dbSNP rs1040504634, ClinGen allele CA192747541.

ClinVar aggregate classification (germline): Uncertain significance (1 of 4 stars; one submission).

Allele frequency attached by ClinVar (database versions not stated): gnomAD exomes below 0.00001 and 0.00001; TOPMed below 0.00001; gnomAD 0.00001.
gnomAD v4.1: 20 of 1,611,846 alleles (0.0012%); highest among the groups gnomAD compares: Admixed American, 0.0017%; no homozygotes.

Submission:

Labcorp Genetics (formerly Invitae), Labcorp
Classification: Uncertain significance. Last evaluated: 2021-07-18. Review status: criteria provided, single submitter. Criteria: Invitae Variant Classification Sherloc (09022015). Collection method: clinical testing. Allele origin: germline.
Comment: In summary, the available evidence is currently insufficient to determine the role of this variant in disease. Therefore, it has been classified as a Variant of Uncertain Significance. Algorithms developed to predict the effect of missense changes on protein structure and function (SIFT, PolyPhen-2, Align-GVGD) all suggest that this variant is likely to be tolerated. This variant has not been reported in the literature in individuals affected with RUSC2-related conditions. This variant is not present in population databases (ExAC no frequency). This sequence change replaces glycine with aspartic acid at codon 434 of the RUSC2 protein (p.Gly434Asp). The glycine residue is weakly conserved and there is a moderate physicochemical difference between glycine and aspartic acid.